The following is an entry in ClinVar:

NM_020529.3(NFKBIA):c.243C>T (p.Ala81=)

Gene: NFKBIA (NFKB inhibitor alpha; minus strand). Cytogenetic location: 14q13.2.
Variant type: single nucleotide variant.
Coding change: c.243C>T on transcript NM_020529.3 (MANE Select); coding-DNA position 243, C replaced by T.
Protein change: p.Ala81=; no amino-acid change (alanine 81 retained).
Molecular consequence: synonymous variant.
Genome position (GRCh38, 1-based): chr14:35,403,783, G>A on the plus strand (C>T on the coding strand, the complement: NFKBIA is on the minus strand). VCF-style: chr14-35403783-G-A. GRCh37 (hg19) VCF-style: chr14-35872989-G-A.
Identifiers: ClinVar variation 313116 (VCV000313116.25), dbSNP rs2233412, ClinGen allele CA7155539.

ClinVar aggregate classification (germline): Benign. Review status: criteria provided, multiple submitters, no conflicts (2 of 4 stars). 5 submissions from 5 submitters: Benign (5). Last evaluated 2026-02-04.

Conditions:
Ectodermal dysplasia and immunodeficiency 2. Identifiers: Orphanet 238468, Orphanet 98813, MedGen C2677481, MONDO:0012806, OMIM 612132.

Allele frequency attached by ClinVar (database versions not stated): gnomAD exomes 0.00093 and 0.00223; ExAC 0.00288; 1000 Genomes Project 0.00799; gnomAD 0.00830 and 0.00874; 1000 Genomes Project 30x 0.00890; ESP Exome Variant Server 0.00892; TOPMed 0.00932.
gnomAD v4.1: 2,669 of 1,613,646 alleles (0.17%); highest among the groups gnomAD compares: African/African-American, 2.9%; 35 homozygotes.

Submissions (5):

Labcorp Genetics (formerly Invitae), Labcorp
Classification: Benign for Ectodermal dysplasia and immunodeficiency 2. Last evaluated: 2026-02-04. Review status: criteria provided, single submitter. Criteria: Invitae Variant Classification Sherloc (09022015). Collection method: clinical testing. Allele origin: germline.

Women's Health and Genetics/Laboratory Corporation of America, LabCorp
Classification: Benign. Last evaluated: 2026-01-23. Review status: criteria provided, single submitter. Criteria: LabCorp Variant Classification Summary - May 2015. Collection method: clinical testing. Allele origin: germline.

ARUP Laboratories, Molecular Genetics and Genomics, ARUP Laboratories
Classification: Benign for Ectodermal dysplasia and immunodeficiency 2. Last evaluated: 2025-07-08. Review status: criteria provided, single submitter. Criteria: ARUP Molecular Germline Variant Investigation Process 2024. Collection method: clinical testing. Allele origin: germline.

Illumina Laboratory Services, Illumina
Classification: Benign for Ectodermal dysplasia and immunodeficiency 2. Last evaluated: 2018-01-13. Review status: criteria provided, single submitter. Criteria: ICSL Variant Classification Criteria 13 December 2019. Collection method: clinical testing. Allele origin: germline.
Comment: This variant was observed in the ICSL laboratory as part of a predisposition screen in an ostensibly healthy population. It had not been previously curated by ICSL or reported in the Human Gene Mutation Database (HGMD: prior to June 1st, 2018), and was therefore a candidate for classification through an automated scoring system. Utilizing variant allele frequency, disease prevalence and penetrance estimates, and inheritance mode, an automated score was calculated to assess if this variant is too frequent to cause the disease. Based on the score and internal cut-off values, a variant classified as benign is not then subjected to further curation. The score for this variant resulted in a classification of benign for this disease.

Breakthrough Genomics
Classification: Benign. Review status: criteria provided, single submitter. Criteria: ACMG Guidelines, 2015. Collection method: not provided. Allele origin: germline. Inheritance: Autosomal dominant inheritance. Affected: yes.